The following is an entry in ClinVar:

ClinVar aggregate classification (germline): Uncertain significance (1 of 4 stars; one submission).

Conditions:
Familial cancer of breast. Also called: hereditary breast carcinoma; BREAST CANCER, FAMILIAL; Hereditary breast cancer. Identifiers: Orphanet 227535, MedGen C0346153, MONDO:0016419, OMIM 114480. Disease mechanism: loss of function.

Submission:

Labcorp Genetics (formerly Invitae), Labcorp
Classification: Uncertain significance for Familial cancer of breast. Last evaluated: 2018-05-02. Review status: criteria provided, single submitter. Criteria: Invitae Variant Classification Sherloc (09022015). Collection method: clinical testing. Allele origin: germline.
Comment: Algorithms developed to predict the effect of sequence changes on RNA splicing suggest that this variant may disrupt the consensus splice site, but this prediction has not been confirmed by published transcriptional studies. In summary, the available evidence is currently insufficient to determine the role of this variant in disease. Therefore, it has been classified as a Variant of Uncertain Significance. This variant has not been reported in the literature in individuals with BARD1-related disease. This variant is not present in population databases (ExAC no frequency). This sequence change falls in intron 1 of the BARD1 gene. It does not directly change the encoded amino acid sequence of the BARD1 protein.

NM_000465.4(BARD1):c.159-7C>A

Gene: BARD1 (BRCA1 associated RING domain 1; minus strand). Cytogenetic location: 2q35.
Variant type: single nucleotide variant.
Coding change: c.159-7C>A on transcript NM_000465.4 (MANE Select); 7 bases into the intron before coding-DNA position 159, C replaced by A.
Molecular consequence: intron variant.
Genome position (GRCh38, 1-based): chr2:214,797,124, G>T on the plus strand (C>A on the coding strand, the complement: BARD1 is on the minus strand). VCF-style: chr2-214797124-G-T. GRCh37 (hg19) VCF-style: chr2-215661848-G-T.
Other names: c.159-7C>A (LRG_297t1, NM_001282545.2, NM_001282549.2); c.158+12288C>A (NM_001282548.2); c.159-4679C>A (NM_001282543.2).
Identifiers: ClinVar variation 574376 (VCV000574376.9), dbSNP rs533403598, ClinGen allele CA891843071.